The following is an entry in ClinVar:

NM_133379.5(TTN):c.15755A>G (p.Glu5252Gly)

Gene: TTN (titin; minus strand). Cytogenetic location: 2q31.2.
Variant type: single nucleotide variant.
Coding change: c.15755A>G on transcript NM_133379.5; coding-DNA position 15755, A replaced by G.
Protein change: p.Glu5252Gly; replaces glutamic acid 5252 with glycine.
Molecular consequence: missense variant. On other transcripts: intron variant (6).
Genome position (GRCh38, 1-based): chr2:178,746,645, T>C on the plus strand (A>G on the coding strand, the complement: TTN is on the minus strand). VCF-style: chr2-178746645-T-C. GRCh37 (hg19) VCF-style: chr2-179611372-T-C.
Other names: c.10223-4724A>G (NM_003319.4); c.10799-4724A>G (NM_133437.4); c.10598-4724A>G (NM_133432.3); c.10360+6479A>G (NM_133378.4); c.10361-4724A>G (NM_001256850.1); c.11312-4724A>G (NM_001267550.2); c.15755A>G (NM_133379.4); short protein forms E5252G.
Identifiers: ClinVar variation 166250 (VCV000166250.7), dbSNP rs727503663, ClinGen allele CA179070.
Genomic context (GRCh38, chr2:178,746,645, plus strand): 5'-ATGTCTACATTTGCAAAGCTCTTTGCTTCCCCTATGATGTTTACAGCATGACACATGTAC[T>C]CTCCCCCTTCTCCTTTTTGAATGTTAGAAATTTCCAGTGAACACACATTACCCACTCTTT-3'

ClinVar aggregate classification (germline): Uncertain significance. Review status: criteria provided, multiple submitters, no conflicts (2 of 4 stars). 2 submissions from 2 submitters: Uncertain significance (2). Last evaluated 2026-03-20.

Conditions:
TTN-related disorder. Also called: TTN-related condition; TTN-related disease; TTN-related disorders.

Allele frequency attached by ClinVar (database versions not stated): ExAC 0.00002; gnomAD exomes 0.00002 and 0.00007; gnomAD 0.00004 and 0.00005; TOPMed 0.00005.
gnomAD v4.1: 119 of 1,613,190 alleles (0.0074%); highest among the groups gnomAD compares: Non-Finnish European, 0.0095%; no homozygotes.

Submissions (2):

PreventionGenetics, part of Exact Sciences
Classification: Uncertain significance for TTN-related condition. Last evaluated: 2026-03-20. Review status: criteria provided, single submitter. Criteria: ACMG Guidelines, 2015. Collection method: clinical testing. Allele origin: germline.
Comment: The TTN c.15755A>G variant is predicted to result in the amino acid substitution p.Glu5252Gly. This variant is also referred to as c.15755A>G (p.Glu5252Gly) in the Novex-3 transcript NM_133379. This variant is located in exon 46 of the Novex-3 transcript (minor small cardiac isoform) which is the last exon of this transcript. This exon is not included in any other TTN transcripts (principle cardiac or skeletal muscle isoforms). To our knowledge, this variant has not been reported in the literature. This variant is reported in 0.0053% of alleles in individuals of European (Non-Finnish) descent in gnomAD. At this time, the clinical significance of this variant is uncertain due to the absence of conclusive functional and genetic evidence.

Laboratory for Molecular Medicine, Mass General Brigham Personalized Medicine
Classification: Uncertain significance. Last evaluated: 2014-02-06. Review status: criteria provided, single submitter. Criteria: LMM Criteria. Collection method: clinical testing. Allele origin: germline. Observed: 1 variant allele.
Comment: The Glu5252Gly variant in TTN has not been reported in individuals with cardiomy opathy or in large population studies. Computational analyses (biochemical amino acid properties, conservation, AlignGVGD, PolyPhen2, and SIFT) are limited or u navailable for this variant. Additional information is needed to fully assess th e clinical significance of the Glu5252Gly variant.